The following is an entry in ClinVar:

NM_000138.5(FBN1):c.4660G>T (p.Gly1554Ter)

Gene: FBN1 (fibrillin 1; minus strand). Cytogenetic location: 15q21.1.
Variant type: single nucleotide variant.
Coding change: c.4660G>T on transcript NM_000138.5 (MANE Select); coding-DNA position 4660, G replaced by T.
Protein change: p.Gly1554Ter; replaces glycine 1554 with a stop codon.
Molecular consequence: nonsense.
Genome position (GRCh38, 1-based): chr15:48,468,025, C>A on the plus strand (G>T on the coding strand, the complement: FBN1 is on the minus strand). VCF-style: chr15-48468025-C-A. GRCh37 (hg19) VCF-style: chr15-48760222-C-A.
Other names: short protein forms G1554*.
Identifiers: ClinVar variation 857210 (VCV000857210.1), dbSNP rs2043337443, ClinGen allele CA392353022.

ClinVar aggregate classification (germline): Pathogenic (1 of 4 stars; one submission).

Conditions:
Familial thoracic aortic aneurysm and aortic dissection (TAAD). Also called: Thoracic aortic aneurysms and dissections. Identifiers: Orphanet 91387, MedGen C4707243, MONDO:0019625.
Marfan syndrome (MFS). Also called: FBN1-Related Marfan Syndrome; Marfan's syndrome; MARFAN SYNDROME, TYPE I; Marfan syndrome type 1; Marfan syndrome, classic. Identifiers: Orphanet 284963, Orphanet 558, MedGen C0024796, MONDO:0007947, OMIM 154700.

Submission:

Labcorp Genetics (formerly Invitae), Labcorp
Classification: Pathogenic for Marfan syndrome; Familial thoracic aortic aneurysm and aortic dissection. Last evaluated: 2019-03-25. Review status: criteria provided, single submitter. Criteria: Invitae Variant Classification Sherloc (09022015). Collection method: clinical testing. Allele origin: germline.
Comment: This sequence change creates a premature translational stop signal (p.Gly1554*) in the FBN1 gene. It is expected to result in an absent or disrupted protein product. This variant is not present in population databases (ExAC no frequency). This variant has not been reported in the literature in individuals with FBN1-related conditions. Loss-of-function variants in FBN1 are known to be pathogenic (PMID: 17657824, 19293843). For these reasons, this variant has been classified as Pathogenic.